The following is an entry in ClinVar:

NM_001377540.1(SLMAP):c.113G>T (p.Arg38Leu)

Gene: SLMAP (sarcolemma associated protein; plus strand). Cytogenetic location: 3p14.3.
Variant type: single nucleotide variant.
Coding change: c.113G>T on transcript NM_001377540.1 (MANE Select); coding-DNA position 113, G replaced by T.
Protein change: p.Arg38Leu; replaces arginine 38 with leucine.
Molecular consequence: missense variant. On other transcripts: non-coding transcript variant (1).
Genome position (GRCh38, 1-based): chr3:57,757,764, G>T. VCF-style: chr3-57757764-G-T. GRCh37 (hg19) VCF-style: chr3-57743491-G-T.
Other names: c.113G>T, p.Arg38Leu (NM_001304420.3, NM_001304421.2, NM_001377538.1 and 17 more transcripts); short protein forms R38L.
Identifiers: ClinVar variation 2100527 (VCV002100527.4), dbSNP rs1377858142, ClinGen allele CA353403308.

ClinVar aggregate classification (germline): Uncertain significance (1 of 4 stars; one submission).

Conditions:
Brugada syndrome. Also called: Sudden unexplained nocturnal death syndrome; Sudden unexpected nocturnal death syndrome; Sudden Unexplained Death Syndrome; Sudden Unexplained Nocturnal Death Syndrome (SUNDS). Identifiers: Orphanet 130, MedGen C1142166, MONDO:0015263.

Allele frequency attached by ClinVar (database versions not stated): gnomAD exomes below 0.00001.

Submission:

Labcorp Genetics (formerly Invitae), Labcorp
Classification: Uncertain significance for Brugada syndrome. Last evaluated: 2022-02-28. Review status: criteria provided, single submitter. Criteria: Invitae Variant Classification Sherloc (09022015). Collection method: clinical testing. Allele origin: germline.
Comment: In summary, the available evidence is currently insufficient to determine the role of this variant in disease. Therefore, it has been classified as a Variant of Uncertain Significance. Algorithms developed to predict the effect of missense changes on protein structure and function are either unavailable or do not agree on the potential impact of this missense change (SIFT: "Deleterious"; PolyPhen-2: "Probably Damaging"; Align-GVGD: "Class C0"). This variant has not been reported in the literature in individuals affected with SLMAP-related conditions. This variant is present in population databases (no rsID available, gnomAD 0.0009%). This sequence change replaces arginine, which is basic and polar, with leucine, which is neutral and non-polar, at codon 38 of the SLMAP protein (p.Arg38Leu).